The following is an entry in ClinVar:

ClinVar aggregate classification (germline): Likely benign. Review status: criteria provided, multiple submitters, no conflicts (2 of 4 stars). 4 submissions from 4 submitters: Likely benign (4). Last evaluated 2026-03-18.

Conditions:
BSND-related disorder. Also called: BSND-related condition.

Allele frequency attached by ClinVar (database versions not stated): gnomAD 0.00001 and 0.00002; ExAC 0.00002; gnomAD exomes 0.00002 and 0.00004.
gnomAD v4.1: 35 of 1,612,332 alleles (0.0022%); highest among the groups gnomAD compares: Admixed American, 0.017%; no homozygotes.

Submissions (4):

PreventionGenetics, part of Exact Sciences
Classification: Likely benign for BSND-related condition. Last evaluated: 2026-03-18. Review status: criteria provided, single submitter. Criteria: ACMG Guidelines, 2015. Collection method: clinical testing. Allele origin: germline.
Comment: This variant is classified as likely benign based on ACMG/AMP sequence variant interpretation guidelines (Richards et al. 2015 PMID: 25741868, with internal and published modifications).

Labcorp Genetics (formerly Invitae), Labcorp
Classification: Likely benign. Last evaluated: 2025-10-06. Review status: criteria provided, single submitter. Criteria: Invitae Variant Classification Sherloc (09022015). Collection method: clinical testing. Allele origin: germline.

Blueprint Genetics
Classification: Likely benign. Last evaluated: 2023-01-10. Review status: criteria provided, single submitter. Criteria: ACMG Guidelines, 2015. Collection method: clinical testing. Allele origin: germline.

GeneDx
Classification: Likely benign. Last evaluated: 2021-05-04. Review status: criteria provided, single submitter. Criteria: GeneDx Variant Classification Process June 2021. Collection method: clinical testing. Allele origin: germline. Affected: yes.

NM_057176.3(BSND):c.507C>T (p.Asp169=)

Gene: BSND (barttin CLCNK type accessory subunit beta; plus strand). Cytogenetic location: 1p32.3.
Variant type: single nucleotide variant.
Coding change: c.507C>T on transcript NM_057176.3 (MANE Select); coding-DNA position 507, C replaced by T.
Protein change: p.Asp169=; no amino-acid change (aspartic acid 169 retained).
Molecular consequence: synonymous variant.
Genome position (GRCh38, 1-based): chr1:55,007,231, C>T. VCF-style: chr1-55007231-C-T. GRCh37 (hg19) VCF-style: chr1-55472904-C-T.
Identifiers: ClinVar variation 1143353 (VCV001143353.13), dbSNP rs749127391, ClinGen allele CA871351.